The following is an entry in ClinVar:

NM_201525.4(ADGRG1):c.1514A>G (p.Tyr505Cys)

Gene: ADGRG1 (adhesion G protein-coupled receptor G1; plus strand). Cytogenetic location: 16q21.
Variant type: single nucleotide variant.
Coding change: c.1514A>G on transcript NM_201525.4 (MANE Select); coding-DNA position 1514, A replaced by G.
Protein change: p.Tyr505Cys; replaces tyrosine 505 with cysteine.
Molecular consequence: missense variant.
Genome position (GRCh38, 1-based): chr16:57,659,640, A>G. VCF-style: chr16-57659640-A-G. GRCh37 (hg19) VCF-style: chr16-57693552-A-G.
Other names: p.Tyr511Cys; c.1514A>G, p.Tyr505Cys (NM_001145770.3, NM_001145772.3, NM_001145774.3 and 7 more transcripts); c.1532A>G, p.Tyr511Cys (NM_001145771.3, NM_001370428.1, NM_001370429.1 and 4 more transcripts); c.1529A>G, p.Tyr510Cys (NM_001145773.3, NM_001370433.1, NM_001370434.1); c.1022A>G, p.Tyr341Cys (NM_001290142.2); c.1007A>G, p.Tyr336Cys (NM_001290143.2); c.989A>G, p.Tyr330Cys (NM_001290144.2, NM_001370451.1, NM_001370453.1 and 1 more transcripts); c.1511A>G, p.Tyr504Cys (NM_001370441.1); and 1 more; short protein forms Y330C, Y336C, Y341C, Y453C, Y504C, Y505C, Y510C, Y511C.
Identifiers: ClinVar variation 2683369 (VCV002683369.1), dbSNP rs754972089, ClinGen allele CA281580639.

ClinVar aggregate classification (germline): Uncertain significance (1 of 4 stars; one submission).

Allele frequency attached by ClinVar (database versions not stated): gnomAD 0.00001; gnomAD exomes 0.00001; TOPMed 0.00003.

Submission:

Mayo Clinic Laboratories, Mayo Clinic
Classification: Uncertain significance. Last evaluated: 2022-10-13. Review status: criteria provided, single submitter. Criteria: ACMG Guidelines, 2015. Collection method: clinical testing. Allele origin: germline. Observed: 1 variant allele.
Comment: PM2